The following is an entry in ClinVar:

NM_198578.4(LRRK2):c.158A>G (p.Lys53Arg)

Gene: LRRK2 (leucine rich repeat kinase 2; plus strand). Cytogenetic location: 12q12.
Variant type: single nucleotide variant.
Coding change: c.158A>G on transcript NM_198578.4 (MANE Select); coding-DNA position 158, A replaced by G.
Protein change: p.Lys53Arg; replaces lysine 53 with arginine.
Molecular consequence: missense variant.
Genome position (GRCh38, 1-based): chr12:40,225,561, A>G. VCF-style: chr12-40225561-A-G. GRCh37 (hg19) VCF-style: chr12-40619363-A-G.
Other names: short protein forms K53R.
Identifiers: ClinVar variation 1466715 (VCV001466715.9), dbSNP rs202157354, ClinGen allele CA6513006.

ClinVar aggregate classification (germline): Uncertain significance (1 of 4 stars; one submission).

Conditions:
Autosomal dominant Parkinson disease 8. Also called: LRRK2-Related Parkinson Disease; Parkinson disease 8; Parkinson disease 8, susceptibility to. Identifiers: Orphanet 411602, MedGen C1846862, MONDO:0011764, OMIM 607060.

Allele frequency attached by ClinVar (database versions not stated): gnomAD 0.00001 and 0.00003; gnomAD exomes 0.00002; ExAC 0.00004; 1000 Genomes Project 0.00060; 1000 Genomes Project 30x 0.00062.
gnomAD v4.1: 14 of 1,613,952 alleles (0.00087%); highest among the groups gnomAD compares: East Asian, 0.011%; no homozygotes.

Submissions (2):

Labcorp Genetics (formerly Invitae), Labcorp
Classification: Uncertain significance for Autosomal dominant Parkinson disease 8. Last evaluated: 2024-11-09. Review status: criteria provided, single submitter. Criteria: Invitae Variant Classification Sherloc (09022015). Collection method: clinical testing. Allele origin: germline.
Comment: This sequence change replaces lysine, which is basic and polar, with arginine, which is basic and polar, at codon 53 of the LRRK2 protein (p.Lys53Arg). This variant is present in population databases (rs202157354, gnomAD 0.03%). This missense change has been observed in individuals with Parkinson disease (PMID: 32677286, 35861376, 36879366). ClinVar contains an entry for this variant (Variation ID: 1466715). An algorithm developed to predict the effect of missense changes on protein structure and function outputs the following: PolyPhen-2: "Benign". The arginine amino acid residue is found in multiple mammalian species, which suggests that this missense change does not adversely affect protein function. In summary, the available evidence is currently insufficient to determine the role of this variant in disease. Therefore, it has been classified as a Variant of Uncertain Significance.

Dr. Peter K. Rogan Lab, Western University
No classification provided (evidence only). Condition: Gastric cancer. Review status: no classification provided. Collection method: in vitro. Allele origin: not applicable. Functional consequence: retained intron. Not counted in ClinVar's aggregate classification.

Literature cited by the submitters: PubMed 32677286 (cited by Labcorp Genetics (formerly Invitae), Labcorp); PubMed 35861376 (cited by Labcorp Genetics (formerly Invitae), Labcorp); PubMed 36879366 (cited by Labcorp Genetics (formerly Invitae), Labcorp).